The following is an entry in ClinVar:

NM_000271.5(NPC1):c.-5_16del (p.Met1_Leu6del)

Gene: NPC1 (NPC intracellular cholesterol transporter 1; minus strand). Cytogenetic location: 18q11.2.
Variant type: Deletion.
Coding change: c.-5_16del on transcript NM_000271.5 (MANE Select); 5 bases upstream of the start codon through coding-DNA position 16, 21 bases deleted (ACAGCATGACCGCTCGCGGCC).
Protein change: p.Met1_Leu6del.
Molecular consequence: inframe deletion, initiator codon variant.
Genome position (GRCh38, 1-based): chr18:23,586,328-23,586,348, GGCCGCGAGCGGTCATGCTGT deleted on the plus strand (ACAGCATGACCGCTCGCGGCC on the coding strand, the reverse complement: NPC1 is on the minus strand); deleting any 21 consecutive bases within chr18:23,586,328-23,586,355 gives the same sequence; the c. name uses the placement nearest the transcript's 3' end. VCF-style (leftmost placement, unchanged base first): chr18-23586327-AGGCCGCGAGCGGTCATGCTGT-A. GRCh37 (hg19) VCF-style: chr18-21166291-AGGCCGCGAGCGGTCATGCTGT-A.
Identifiers: ClinVar variation 4713657 (VCV004713657.1).
Genomic context (GRCh38, chr18:23,586,327, plus strand): 5'-GGTGGCCGGCGACCGCTCACCTGCGCTGGACACAGTAGCAGCAGGAGGAGGCCAAGGGCC[AGGCCGCGAGCGGTCATGCTGT>A]GGCCGCGCAAGGCTGCTGACGCCGGCGGCGTTCGGCTGGTTGGGCTCCCCGGAGGCGGCT-3'

ClinVar aggregate classification (germline): Pathogenic (1 of 4 stars; one submission).

Conditions:
Niemann-Pick disease, type C1. Also called: NEUROVISCERAL STORAGE DISEASE WITH VERTICAL SUPRANUCLEAR OPHTHALMOPLEGIA; NIEMANN-PICK DISEASE WITH CHOLESTEROL ESTERIFICATION BLOCK; NIEMANN-PICK DISEASE WITHOUT SPHINGOMYELINASE DEFICIENCY; NIEMANN-PICK DISEASE, CHRONIC NEURONOPATHIC FORM; NIEMANN-PICK DISEASE, VARIANT TYPE C1. Identifiers: Orphanet 646, MedGen C3179455, MONDO:0009757, OMIM 257220.

Submission:

Labcorp Genetics (formerly Invitae), Labcorp
Classification: Pathogenic for Niemann-Pick disease, type C1. Last evaluated: 2025-02-23. Review status: criteria provided, single submitter. Criteria: Invitae Variant Classification Sherloc (09022015). Collection method: clinical testing. Allele origin: germline.
Comment: This sequence change affects the initiator methionine of the NPC1 mRNA. The next in-frame methionine is located at codon 156. This variant is not present in population databases (gnomAD no frequency). This variant has not been reported in the literature in individuals affected with NPC1-related conditions. This variant disrupts a region of the NPC1 protein in which other variant(s) (p.Gln92Arg ) have been determined to be pathogenic (PMID: 11349231, 11479732, 28105569, 31139477). This suggests that this is a clinically significant region of the protein, and that variants that disrupt it are likely to be disease-causing. For these reasons, this variant has been classified as Pathogenic.

Literature cited by the submitters: PubMed 11349231; PubMed 11479732; PubMed 28105569; PubMed 31139477.